The following is an entry in ClinVar:

ClinVar aggregate classification (germline): Likely benign (1 of 4 stars; one submission).

Submission:

CeGaT Center for Human Genetics Tuebingen
Classification: Likely benign. Last evaluated: 2026-05-01. Review status: criteria provided, single submitter. Criteria: CeGaT Center For Human Genetics Tuebingen Variant Classification Criteria Version 2. Collection method: clinical testing. Allele origin: germline. Affected: yes. Observed: 1 variant allele.
Comment: SLC6A8: BP4, BP7

NM_005629.4(SLC6A8):c.441C>T (p.Tyr147=)

Gene: SLC6A8 (solute carrier family 6 member 8; plus strand). Cytogenetic location: Xq28.
Variant type: single nucleotide variant.
Coding change: c.441C>T on transcript NM_005629.4 (MANE Select); coding-DNA position 441, C replaced by T.
Protein change: p.Tyr147=; no amino-acid change (tyrosine 147 retained).
Molecular consequence: synonymous variant.
Genome position (GRCh38, 1-based): chrX:153,691,350, C>T. VCF-style: chrX-153691350-C-T. GRCh37 (hg19) VCF-style: chrX-152956805-C-T.
Other names: c.441C>T, p.Tyr147= (NM_001142805.2); c.96C>T, p.Tyr32= (NM_001142806.1).
Identifiers: ClinVar variation 4873858 (VCV004873858.2).